The following is an entry in ClinVar:

ClinVar aggregate classification (germline): Uncertain significance. Review status: criteria provided, multiple submitters, no conflicts (2 of 4 stars). 3 submissions from 3 submitters: Uncertain significance (3). Last evaluated 2025-11-11.

Conditions:
PCK2-related disorder. Also called: PCK2-related condition.

gnomAD v4.1: 110 of 1,613,388 alleles (0.0068%); highest among the groups gnomAD compares: Middle Eastern, 0.4%; 1 homozygote.

Submissions (3):

PreventionGenetics, part of Exact Sciences
Classification: Uncertain significance for PCK2-related condition. Last evaluated: 2025-11-11. Review status: criteria provided, single submitter. Criteria: ACMG Guidelines, 2015. Collection method: clinical testing. Allele origin: germline.
Comment: The PCK2 c.157C>A variant is predicted to result in the amino acid substitution p.Arg53Ser. To our knowledge, this variant has not been reported in the literature. This variant is reported in 0.040% of alleles in individuals of Latino descent in gnomAD. At this time, the clinical significance of this variant is uncertain due to the absence of conclusive functional and genetic evidence.

Labcorp Genetics (formerly Invitae), Labcorp
Classification: Uncertain significance. Last evaluated: 2024-04-18. Review status: criteria provided, single submitter. Criteria: Invitae Variant Classification Sherloc (09022015). Collection method: clinical testing. Allele origin: germline.
Comment: This sequence change replaces arginine, which is basic and polar, with serine, which is neutral and polar, at codon 53 of the PCK2 protein (p.Arg53Ser). The frequency data for this variant in the population databases is considered unreliable, as metrics indicate poor data quality at this position in the gnomAD database. This variant has not been reported in the literature in individuals affected with PCK2-related conditions. ClinVar contains an entry for this variant (Variation ID: 1524621). Advanced modeling of protein sequence and biophysical properties (such as structural, functional, and spatial information, amino acid conservation, physicochemical variation, residue mobility, and thermodynamic stability) performed at Invitae indicates that this missense variant is not expected to disrupt PCK2 protein function with a negative predictive value of 80%. In summary, the available evidence is currently insufficient to determine the role of this variant in disease. Therefore, it has been classified as a Variant of Uncertain Significance.

Breakthrough Genomics
Classification: Uncertain significance. Review status: criteria provided, single submitter. Criteria: ACMG Guidelines, 2015. Collection method: not provided. Allele origin: germline. Inheritance: Autosomal recessive inheritance. Affected: yes.

NM_004563.4(PCK2):c.157C>A (p.Arg53Ser)

Genes: PCK2 (phosphoenolpyruvate carboxykinase 2, mitochondrial; plus strand), NRL (neural retina leucine zipper; minus strand). Cytogenetic location: 14q11.2.
Variant type: single nucleotide variant.
Coding change: c.157C>A on transcript NM_004563.4 (MANE Select); coding-DNA position 157, C replaced by A.
Protein change: p.Arg53Ser; replaces arginine 53 with serine.
Molecular consequence: missense variant. On other transcripts: 5 prime UTR variant (1), intron variant (4).
Genome position (GRCh38, 1-based): chr14:24,097,019, C>A. VCF-style: chr14-24097019-C-A. GRCh37 (hg19) VCF-style: chr14-24566228-C-A.
Other names: c.157C>A, p.Arg53Ser (NM_001018073.3); c.-246C>A (NM_001308054.2); c.-27-14144G>T (NM_001354768.3, NM_001354770.2); c.-253-12274G>T (NM_006177.5); c.-127-1184C>A (NM_001291556.2); c.157C>A (NM_004563.3); short protein forms R53S.
Identifiers: ClinVar variation 1524621 (VCV001524621.8), dbSNP rs201059299, ClinGen allele CA7123029.
Genomic context (GRCh38, chr14:24,097,019, plus strand): 5'-CTTAGTGGAGATCTGGGCCAGCTTCCCACTGGCATTCGAGATTTTGTAGAGCACAGTGCC[C>A]GCCTGTGCCAACCAGAGGGCATCCACATCTGTGATGGAACTGAGGCTGAGAATACTGCCA-3'
Protein context (NP_004554.3, residues 43-63): GIRDFVEHSA[Arg53Ser]LCQPEGIHIC